The following is an entry in ClinVar:

ClinVar aggregate classification (germline): Uncertain significance (1 of 4 stars; one submission).

Submission:

GeneDx
Classification: Uncertain significance. Last evaluated: 2025-07-25. Review status: criteria provided, single submitter. Criteria: GeneDx Variant Classification Process June 2021. Collection method: clinical testing. Allele origin: germline.
Comment: Not observed at significant frequency in large population cohorts (gnomAD); In silico analysis supports that this missense variant has a deleterious effect on protein structure/function; Has not been previously published as pathogenic or benign to our knowledge

NM_001256071.3(RNF213):c.2606C>A (p.Ala869Asp)

Gene: RNF213 (ring finger protein 213; plus strand). Cytogenetic location: 17q25.3.
Variant type: single nucleotide variant.
Coding change: c.2606C>A on transcript NM_001256071.3 (MANE Select); coding-DNA position 2606, C replaced by A.
Protein change: p.Ala869Asp; replaces alanine 869 with aspartic acid.
Molecular consequence: missense variant.
Genome position (GRCh38, 1-based): chr17:80,309,122, C>A. VCF-style: chr17-80309122-C-A. GRCh37 (hg19) VCF-style: chr17-78282922-C-A.
Other names: c.2753C>A, p.Ala918Asp (NM_001410195.1, NM_020914.5); c.2606C>A, p.Ala869Asp (NM_020954.4); short protein forms A869D, A918D.
Identifiers: ClinVar variation 1800910 (VCV001800910.2), dbSNP rs2511220804, ClinGen allele CA401375787.